The following is an entry in ClinVar:

NM_000128.4(F11):c.151A>C (p.Thr51Pro)

Gene: F11 (coagulation factor XI; plus strand). Cytogenetic location: 4q35.2.
Variant type: single nucleotide variant.
Coding change: c.151A>C on transcript NM_000128.4 (MANE Select); coding-DNA position 151, A replaced by C.
Protein change: p.Thr51Pro; replaces threonine 51 with proline.
Molecular consequence: missense variant.
Genome position (GRCh38, 1-based): chr4:186,271,704, A>C. VCF-style: chr4-186271704-A-C. GRCh37 (hg19) VCF-style: chr4-187192858-A-C.
Other names: c.151A>C, p.Thr51Pro (NM_001354804.2); short protein forms T51P.
Identifiers: ClinVar variation 68180 (VCV000068180.3), dbSNP rs281875243, ClinGen allele CA219116.

ClinVar aggregate classification (germline): Pathogenic. Review status: criteria provided, single submitter (1 of 4 stars). 2 submissions from 2 submitters: Pathogenic (1). 1 of the submissions does not count toward it. Last evaluated 2025-03-13.

Conditions:
Plasma factor XI deficiency.

Submissions (2):

Natera, Inc.
Classification: Pathogenic for Plasma factor XI deficiency. Last evaluated: 2025-03-13. Review status: criteria provided, single submitter. Criteria: Natera Variant Classification Schema (03/2026). Collection method: clinical testing. Allele origin: germline.
Comment: The c.151A>C variant in F11 is a missense variant predicted to cause substitution of threonine to proline at amino acid 51. This variant is rare in the general population with a frequency below the threshold expected for the associated phenotype(s). This variant has been observed in affected individual(s) with monoallelic occurrence (heterozygous/hemizygous) (PMID: 20015217, 18005151, 27723456, 22159456). This variant has been observed to segregate in affected family members (PMID: 20015217). Functional studies show that this variant may disrupt protein function (PMID: 20015217). Computational prediction algorithms indicate this variant is likely to affect gene or protein function. Given the available evidence, this variant is classified as Pathogenic.

UniProtKB/Swiss-Prot
No classification provided. Review status: no classification provided. Collection method: not provided. Allele origin: not provided. Not counted in ClinVar's aggregate classification.

Literature cited by the submitters: PubMed 20015217 (cited by Natera, Inc.); PubMed 18005151 (cited by Natera, Inc.); PubMed 27723456 (cited by Natera, Inc.); PubMed 22159456 (cited by Natera, Inc.).